The following is an entry in ClinVar:

ClinVar aggregate classification (germline): Uncertain significance (1 of 4 stars; one submission).

Conditions:
Joubert syndrome 21 (JBTS21). Identifiers: MedGen C3810212, MONDO:0014288, OMIM 615636.

Submission:

Labcorp Genetics (formerly Invitae), Labcorp
Classification: Uncertain significance for Joubert syndrome 21. Last evaluated: 2021-04-18. Review status: criteria provided, single submitter. Criteria: Invitae Variant Classification Sherloc (09022015). Collection method: clinical testing. Allele origin: germline.
Comment: In summary, the available evidence is currently insufficient to determine the role of this variant in disease. Therefore, it has been classified as a Variant of Uncertain Significance. Algorithms developed to predict the effect of missense changes on protein structure and function are either unavailable or do not agree on the potential impact of this missense change (SIFT: "Tolerated"; PolyPhen-2: "Probably Damaging"; Align-GVGD: "Class C15"). This variant has not been reported in the literature in individuals with CSPP1-related conditions. This variant is not present in population databases (ExAC no frequency). This sequence change replaces tyrosine with cysteine at codon 520 of the CSPP1 protein (p.Tyr520Cys). The tyrosine residue is highly conserved and there is a large physicochemical difference between tyrosine and cysteine.

NM_001382391.1(CSPP1):c.1574A>G (p.Tyr525Cys)

Gene: CSPP1 (centrosome and spindle pole associated protein 1; plus strand). Cytogenetic location: 8q13.2.
Variant type: single nucleotide variant.
Coding change: c.1574A>G on transcript NM_001382391.1 (MANE Select); coding-DNA position 1574, A replaced by G.
Protein change: p.Tyr525Cys; replaces tyrosine 525 with cysteine.
Molecular consequence: missense variant.
Genome position (GRCh38, 1-based): chr8:67,118,325, A>G. VCF-style: chr8-67118325-A-G. GRCh37 (hg19) VCF-style: chr8-68030560-A-G.
Other names: c.677A>G, p.Tyr226Cys (NM_001291339.2); c.1493A>G, p.Tyr498Cys (NM_001363131.2); c.1532A>G, p.Tyr511Cys (NM_001363132.2); c.1451A>G, p.Tyr484Cys (NM_001363133.2); c.1640A>G, p.Tyr547Cys (NM_001364869.1); c.1460A>G, p.Tyr487Cys (NM_001364870.1); c.1559A>G, p.Tyr520Cys (NM_024790.7); short protein forms Y487C, Y511C, Y226C, Y525C, Y547C, Y484C, Y498C, Y520C.
Identifiers: ClinVar variation 1483877 (VCV001483877.8), dbSNP rs2129551362, ClinGen allele CA371200698.